The following is an entry in ClinVar:

NM_001330288.2(SMARCC2):c.441A>C (p.Glu147Asp)

Gene: SMARCC2 (SWI/SNF related, matrix associated, actin dependent regulator of chromatin subfamily c member 2; minus strand). Cytogenetic location: 12q13.2.
Variant type: single nucleotide variant.
Coding change: c.441A>C on transcript NM_001330288.2 (MANE Select); coding-DNA position 441, A replaced by C.
Protein change: p.Glu147Asp; replaces glutamic acid 147 with aspartic acid.
Molecular consequence: missense variant.
Genome position (GRCh38, 1-based): chr12:56,184,895, T>G on the plus strand (A>C on the coding strand, the complement: SMARCC2 is on the minus strand). VCF-style: chr12-56184895-T-G. GRCh37 (hg19) VCF-style: chr12-56578679-T-G.
Other names: c.441A>C, p.Glu147Asp (NM_001130420.3, NM_003075.5, NM_139067.4); short protein forms E147D.
Identifiers: ClinVar variation 1328140 (VCV001328140.4), dbSNP rs752059714, ClinGen allele CA385356520.

ClinVar aggregate classification (germline): Uncertain significance (1 of 4 stars; one submission).

Conditions:
SMARCC2-related neurodevelopmental disorder.

Submission:

Illumina Laboratory Services, Illumina
Classification: Uncertain significance for SMARCC2-related neurodevelopmental disorder. Last evaluated: 2021-09-24. Review status: criteria provided, single submitter. Criteria: ICSLVariantClassificationCriteria RUGD 01 April 2020. Collection method: clinical testing. Allele origin: unknown.
Comment: The SMARCC2 c.441A>C (p.Glu147Asp) variant is a missense variant. A literature search was performed for the gene, cDNA change, and amino acid change. No publications were found based on this search. This variant is not found in version 2.1.1 or version 3.1.1 of the Genome Aggregation Database despite its location in a region of good sequencing coverage, which suggests the variant is rare. Multiple lines of computational evidence suggest the p.Glu147Asp variant has no impact on the SMARCC2 gene or gene product. Based on the evidence, the p.Glu147Asp variant is classified as a variant of uncertain significance for SMARCC2-related neurodevelopmental disorder.